The following is an entry in ClinVar:

NM_024422.6(DSC2):c.510C>G (p.Tyr170Ter)

Gene: DSC2 (desmocollin 2; minus strand). Cytogenetic location: 18q12.1.
Variant type: single nucleotide variant.
Coding change: c.510C>G on transcript NM_024422.6 (MANE Select); coding-DNA position 510, C replaced by G.
Protein change: p.Tyr170Ter; replaces tyrosine 170 with a stop codon.
Molecular consequence: nonsense.
Genome position (GRCh38, 1-based): chr18:31,089,559, G>C on the plus strand (C>G on the coding strand, the complement: DSC2 is on the minus strand). VCF-style: chr18-31089559-G-C. GRCh37 (hg19) VCF-style: chr18-28669522-G-C.
Other names: c.81C>G, p.Tyr27Ter (NM_001406506.1, NM_001406507.1); c.510C>G, p.Tyr170Ter (NM_004949.5); short protein forms Y170*, Y27*.
Identifiers: ClinVar variation 3342161 (VCV003342161.16).

ClinVar aggregate classification (germline): Likely pathogenic (1 of 4 stars; one submission).

Submission:

CeGaT Center for Human Genetics Tuebingen
Classification: Likely pathogenic. Last evaluated: 2024-08-01. Review status: criteria provided, single submitter. Criteria: CeGaT Center For Human Genetics Tuebingen Variant Classification Criteria Version 2. Collection method: clinical testing. Allele origin: germline. Affected: yes. Observed: 1 variant allele.
Comment: DSC2: PVS1:Strong, PM2